The following is an entry in ClinVar:

NM_000038.6(APC):c.2970T>A (p.Asp990Glu)

Gene: APC (APC regulator of Wnt signaling pathway; plus strand). Cytogenetic location: 5q22.2.
Variant type: single nucleotide variant.
Coding change: c.2970T>A on transcript NM_000038.6 (MANE Select); coding-DNA position 2970, T replaced by A.
Protein change: p.Asp990Glu; replaces aspartic acid 990 with glutamic acid.
Molecular consequence: missense variant.
Genome position (GRCh38, 1-based): chr5:112,838,564, T>A. VCF-style: chr5-112838564-T-A. GRCh37 (hg19) VCF-style: chr5-112174261-T-A.
Other names: c.2970T>A, p.Asp990Glu (NM_001127510.3, NM_001354895.2); c.2916T>A, p.Asp972Glu (NM_001127511.3); c.3024T>A, p.Asp1008Glu (NM_001354896.2); c.3000T>A, p.Asp1000Glu (NM_001354897.2); c.2895T>A, p.Asp965Glu (NM_001354898.2); c.2886T>A, p.Asp962Glu (NM_001354899.2); c.2847T>A, p.Asp949Glu (NM_001354900.2); c.2793T>A, p.Asp931Glu (NM_001354901.2); and 5 more; short protein forms D1000E, D962E, D965E, D864E, D889E, D899E, D1008E, D707E.
Identifiers: ClinVar variation 925713 (VCV000925713.6), dbSNP rs1397548815, ClinGen allele CA16027822.

ClinVar aggregate classification (germline): Uncertain significance. Review status: criteria provided, multiple submitters, no conflicts (2 of 4 stars). 2 submissions from 2 submitters: Uncertain significance (2). Last evaluated 2024-03-06.

Conditions:
Familial adenomatous polyposis 1 (FAP1). Also called: FAMILIAL ADENOMATOUS POLYPOSIS 1, ATTENUATED; POLYPOSIS, ADENOMATOUS INTESTINAL. Identifiers: MedGen C2713442, MONDO:0021056, OMIM 175100. Disease mechanism: loss of function.
Hereditary cancer-predisposing syndrome. Also called: Neoplastic Syndromes, Hereditary; Tumor predisposition; Hereditary Cancer Syndrome; Hereditary neoplastic syndrome. Identifiers: Orphanet 140162, MedGen C0027672, MeSH D009386, MONDO:0015356.

Submissions (2):

Color Diagnostics, LLC DBA Color Health
Classification: Uncertain significance for Hereditary cancer-predisposing syndrome. Last evaluated: 2024-03-06. Review status: criteria provided, single submitter. Criteria: ACMG Guidelines, 2015. Collection method: clinical testing. Allele origin: germline.
Comment: This missense variant replaces aspartic acid with glutamic acid at codon 990 of the APC protein. Computational prediction suggests that this variant may not impact protein structure and function (internally defined REVEL score threshold <= 0.5, PMID: 27666373). Splice site prediction tools suggest that this variant may not impact RNA splicing. To our knowledge, functional studies have not been performed for this variant. This variant has not been reported in individuals affected with hereditary cancer in the literature. This variant has not been identified in the general population by the Genome Aggregation Database (gnomAD). The available evidence is insufficient to determine the role of this variant in disease conclusively. Therefore, this variant is classified as a Variant of Uncertain Significance.

Labcorp Genetics (formerly Invitae), Labcorp
Classification: Uncertain significance for Familial adenomatous polyposis 1. Last evaluated: 2024-03-02. Review status: criteria provided, single submitter. Criteria: Invitae Variant Classification Sherloc (09022015). Collection method: clinical testing. Allele origin: germline.
Comment: This sequence change replaces aspartic acid, which is acidic and polar, with glutamic acid, which is acidic and polar, at codon 990 of the APC protein (p.Asp990Glu). This variant is not present in population databases (gnomAD no frequency). This variant has not been reported in the literature in individuals affected with APC-related conditions. ClinVar contains an entry for this variant (Variation ID: 925713). Advanced modeling of protein sequence and biophysical properties (such as structural, functional, and spatial information, amino acid conservation, physicochemical variation, residue mobility, and thermodynamic stability) performed at Invitae indicates that this missense variant is not expected to disrupt APC protein function with a negative predictive value of 95%. In summary, the available evidence is currently insufficient to determine the role of this variant in disease. Therefore, it has been classified as a Variant of Uncertain Significance.